The following is an entry in ClinVar:

ClinVar aggregate classification (germline): Uncertain significance. Review status: criteria provided, multiple submitters, no conflicts (2 of 4 stars). 3 submissions from 3 submitters: Uncertain significance (3). Last evaluated 2025-05-04.

Allele frequency attached by ClinVar (database versions not stated): gnomAD exomes 0.00001 and 0.00003; ExAC 0.00002.
gnomAD v4.1: 10 of 1,613,992 alleles (0.00062%); highest among the groups gnomAD compares: Middle Eastern, 0.017%; no homozygotes.

Submissions (3):

Labcorp Genetics (formerly Invitae), Labcorp
Classification: Uncertain significance. Last evaluated: 2025-05-04. Review status: criteria provided, single submitter. Criteria: Invitae Variant Classification Sherloc (09022015). Collection method: clinical testing. Allele origin: germline.
Comment: This sequence change replaces valine, which is neutral and non-polar, with alanine, which is neutral and non-polar, at codon 178 of the PROM1 protein (p.Val178Ala). This variant is present in population databases (rs780577834, gnomAD 0.01%). This variant has not been reported in the literature in individuals affected with PROM1-related conditions. ClinVar contains an entry for this variant (Variation ID: 546961). Invitae Evidence Modeling of protein sequence and biophysical properties (such as structural, functional, and spatial information, amino acid conservation, physicochemical variation, residue mobility, and thermodynamic stability) indicates that this missense variant is not expected to disrupt PROM1 protein function with a negative predictive value of 80%. In summary, the available evidence is currently insufficient to determine the role of this variant in disease. Therefore, it has been classified as a Variant of Uncertain Significance.

Blueprint Genetics
Classification: Uncertain significance. Last evaluated: 2021-09-10. Review status: criteria provided, single submitter. Criteria: ACMG Guidelines, 2015. Collection method: clinical testing. Allele origin: germline.

CeGaT Center for Human Genetics Tuebingen
Classification: Uncertain significance. Last evaluated: 2017-12-01. Review status: criteria provided, single submitter. Criteria: CeGaT Center For Human Genetics Tuebingen Variant Classification Criteria Version 2. Collection method: clinical testing. Allele origin: germline. Affected: yes. Observed: 1 variant allele.

NM_006017.3(PROM1):c.533T>C (p.Val178Ala)

Gene: PROM1 (prominin 1; minus strand). Cytogenetic location: 4p15.32.
Variant type: single nucleotide variant.
Coding change: c.533T>C on transcript NM_006017.3 (MANE Select); coding-DNA position 533, T replaced by C.
Protein change: p.Val178Ala; replaces valine 178 with alanine.
Molecular consequence: missense variant.
Genome position (GRCh38, 1-based): chr4:16,025,289, A>G on the plus strand (T>C on the coding strand, the complement: PROM1 is on the minus strand). VCF-style: chr4-16025289-A-G. GRCh37 (hg19) VCF-style: chr4-16026912-A-G.
Other names: c.506T>C, p.Val169Ala (NM_001145847.2, NM_001145848.2, NM_001145851.2 and 4 more transcripts); c.533T>C, p.Val178Ala (NM_001145849.2, NM_001145850.2); short protein forms V178A, V169A.
Identifiers: ClinVar variation 546961 (VCV000546961.48), dbSNP rs780577834, ClinGen allele CA2867047.